The following is an entry in ClinVar:

NM_002439.5(MSH3):c.892G>A (p.Val298Met)

Gene: MSH3 (mutS homolog 3; plus strand). Cytogenetic location: 5q14.1.
Variant type: single nucleotide variant.
Coding change: c.892G>A on transcript NM_002439.5 (MANE Select); coding-DNA position 892, G replaced by A.
Protein change: p.Val298Met; replaces valine 298 with methionine.
Molecular consequence: missense variant.
Genome position (GRCh38, 1-based): chr5:80,672,343, G>A. VCF-style: chr5-80672343-G-A. GRCh37 (hg19) VCF-style: chr5-79968162-G-A.
Other names: c.892G>A (NM_002439.3); short protein forms V298M.
Identifiers: ClinVar variation 1420337 (VCV001420337.9), dbSNP rs2112813868, ClinGen allele CA360267262.

ClinVar aggregate classification (germline): Uncertain significance. Review status: criteria provided, multiple submitters, no conflicts (2 of 4 stars). 2 submissions from 2 submitters: Uncertain significance (2). Last evaluated 2025-10-17.

Conditions:
Hereditary cancer-predisposing syndrome. Also called: Neoplastic Syndromes, Hereditary; Hereditary Cancer Syndrome; Hereditary neoplastic syndrome; Tumor predisposition. Identifiers: Orphanet 140162, MedGen C0027672, MeSH D009386, MONDO:0015356.

Submissions (2):

Ambry Genetics
Classification: Uncertain significance for Hereditary cancer-predisposing syndrome. Last evaluated: 2025-10-17. Review status: criteria provided, single submitter. Criteria: Ambry Variant Classification Scheme 2023. Collection method: clinical testing. Allele origin: germline.
Comment: The p.V298M variant (also known as c.892G>A), located in coding exon 5 of the MSH3 gene, results from a G to A substitution at nucleotide position 892. The valine at codon 298 is replaced by methionine, an amino acid with highly similar properties. This amino acid position is conserved. In addition, this alteration is predicted to be deleterious by in silico analysis. Based on the available evidence, the clinical significance of this variant remains unclear.

Labcorp Genetics (formerly Invitae), Labcorp
Classification: Uncertain significance. Last evaluated: 2021-03-14. Review status: criteria provided, single submitter. Criteria: Invitae Variant Classification Sherloc (09022015). Collection method: clinical testing. Allele origin: germline.
Comment: This variant is not present in population databases (ExAC no frequency). This sequence change replaces valine with methionine at codon 298 of the MSH3 protein (p.Val298Met). The valine residue is highly conserved and there is a small physicochemical difference between valine and methionine. Algorithms developed to predict the effect of missense changes on protein structure and function are either unavailable or do not agree on the potential impact of this missense change (SIFT: "Deleterious"; PolyPhen-2: "Probably Damaging"; Align-GVGD: "Class C15"). In summary, the available evidence is currently insufficient to determine the role of this variant in disease. Therefore, it has been classified as a Variant of Uncertain Significance. This variant has not been reported in the literature in individuals with MSH3-related conditions.